The following is an entry in ClinVar:

NM_004446.3(EPRS1):c.3317G>C (p.Arg1106Thr)

Gene: EPRS1 (glutamyl-prolyl-tRNA synthetase 1; minus strand). Cytogenetic location: 1q41.
Variant type: single nucleotide variant.
Coding change: c.3317G>C on transcript NM_004446.3 (MANE Select); coding-DNA position 3317, G replaced by C.
Protein change: p.Arg1106Thr; replaces arginine 1106 with threonine.
Molecular consequence: missense variant.
Genome position (GRCh38, 1-based): chr1:219,982,828, C>G on the plus strand (G>C on the coding strand, the complement: EPRS1 is on the minus strand). VCF-style: chr1-219982828-C-G. GRCh37 (hg19) VCF-style: chr1-220156170-C-G.
Other names: short protein forms R1106T.
Identifiers: ClinVar variation 2817068 (VCV002817068.3), dbSNP rs2527967300, ClinGen allele CA344638030.

ClinVar aggregate classification (germline): Uncertain significance (1 of 4 stars; one submission).

Allele frequency attached by ClinVar (database versions not stated): gnomAD exomes below 0.00001.
gnomAD v4.1: 1 of 1,613,982 alleles (0.000062%); highest among the groups gnomAD compares: African/African-American, 0.0013%; no homozygotes.

Submission:

Labcorp Genetics (formerly Invitae), Labcorp
Classification: Uncertain significance. Last evaluated: 2023-02-16. Review status: criteria provided, single submitter. Criteria: Invitae Variant Classification Sherloc (09022015). Collection method: clinical testing. Allele origin: germline.
Comment: This variant is not present in population databases (gnomAD no frequency). This sequence change replaces arginine, which is basic and polar, with threonine, which is neutral and polar, at codon 1106 of the EPRS protein (p.Arg1106Thr). This variant has not been reported in the literature in individuals affected with EPRS-related conditions. An algorithm developed to predict the effect of missense changes on protein structure and function (PolyPhen-2) suggests that this variant is likely to be disruptive. In summary, the available evidence is currently insufficient to determine the role of this variant in disease. Therefore, it has been classified as a Variant of Uncertain Significance.